The following is an entry in ClinVar:

ClinVar aggregate classification (germline): Uncertain significance. Review status: criteria provided, multiple submitters, no conflicts (2 of 4 stars). 2 submissions from 2 submitters: Uncertain significance (2). Last evaluated 2025-10-21.

Conditions:
Hereditary nonpolyposis colorectal neoplasms. Identifiers: MedGen C0009405, MeSH D003123.
Hereditary cancer-predisposing syndrome. Also called: Tumor predisposition; Hereditary Cancer Syndrome; Hereditary neoplastic syndrome; Neoplastic Syndromes, Hereditary. Identifiers: Orphanet 140162, MedGen C0027672, MeSH D009386, MONDO:0015356.

Submissions (2):

Ambry Genetics
Classification: Uncertain significance for Hereditary cancer-predisposing syndrome. Last evaluated: 2025-10-21. Review status: criteria provided, single submitter. Criteria: Ambry Variant Classification Scheme 2023. Collection method: clinical testing. Allele origin: germline.
Comment: The p.G281E variant (also known as c.842G>A), located in coding exon 4 of the MSH6 gene, results from a G to A substitution at nucleotide position 842. The glycine at codon 281 is replaced by glutamic acid, an amino acid with similar properties. This amino acid position is well conserved in available vertebrate species. In addition, this alteration is predicted to be tolerated by in silico analysis. Based on the available evidence, the clinical significance of this variant remains unclear.

Labcorp Genetics (formerly Invitae), Labcorp
Classification: Uncertain significance for Hereditary nonpolyposis colorectal neoplasms. Last evaluated: 2024-02-13. Review status: criteria provided, single submitter. Criteria: Invitae Variant Classification Sherloc (09022015). Collection method: clinical testing. Allele origin: germline.
Comment: This sequence change replaces glycine, which is neutral and non-polar, with glutamic acid, which is acidic and polar, at codon 281 of the MSH6 protein (p.Gly281Glu). This variant is not present in population databases (gnomAD no frequency). This variant has not been reported in the literature in individuals affected with MSH6-related conditions. ClinVar contains an entry for this variant (Variation ID: 410466). Advanced modeling of protein sequence and biophysical properties (such as structural, functional, and spatial information, amino acid conservation, physicochemical variation, residue mobility, and thermodynamic stability) performed at Invitae indicates that this missense variant is not expected to disrupt MSH6 protein function with a negative predictive value of 95%. In summary, the available evidence is currently insufficient to determine the role of this variant in disease. Therefore, it has been classified as a Variant of Uncertain Significance.

NM_000179.3(MSH6):c.842G>A (p.Gly281Glu)

Gene: MSH6 (mutS homolog 6; plus strand). Cytogenetic location: 2p16.3.
Variant type: single nucleotide variant.
Coding change: c.842G>A on transcript NM_000179.3 (MANE Select); coding-DNA position 842, G replaced by A.
Protein change: p.Gly281Glu; replaces glycine 281 with glutamic acid.
Molecular consequence: missense variant. On other transcripts: 5 prime UTR variant (2).
Genome position (GRCh38, 1-based): chr2:47,798,825, G>A. VCF-style: chr2-47798825-G-A. GRCh37 (hg19) VCF-style: chr2-48025964-G-A.
Other names: c.452G>A, p.Gly151Glu (NM_001281492.2); c.-65G>A (NM_001281493.2, NM_001281494.2); short protein forms G281E, G151E.
Identifiers: ClinVar variation 410466 (VCV000410466.12), dbSNP rs773445382, ClinGen allele CA16610896.
Genomic context (GRCh38, chr2:47,798,825, plus strand): 5'-CTGATGTGGAATTTAAGCCAGACACTAAGGAGGAAGGAAGCAGTGATGAAATAAGCAGTG[G>A]AGTGGGGGATAGTGAGAGTGAAGGCCTGAACAGCCCTGTCAAAGTTGCTCGAAAGCGGAA-3'
Protein context (NP_000170.1, residues 271-291): EEGSSDEISS[Gly281Glu]VGDSESEGLN